The following is an entry in ClinVar:

ClinVar aggregate classification (germline): Uncertain significance. Review status: criteria provided, multiple submitters, no conflicts (2 of 4 stars). 3 submissions from 3 submitters: Uncertain significance (3). Last evaluated 2025-12-01.

Conditions:
Hypophosphatasia. Also called: Phosphoethanol-aminuria. Identifiers: Orphanet 436, MedGen C0020630, MeSH D007014, MONDO:0018570.

Allele frequency attached by ClinVar (database versions not stated): gnomAD exomes 0.00001.
gnomAD v4.1: 11 of 1,614,056 alleles (0.00068%); highest among the groups gnomAD compares: Non-Finnish European, 0.00085%; no homozygotes.

Submissions (3):

Labcorp Genetics (formerly Invitae), Labcorp
Classification: Uncertain significance. Last evaluated: 2025-12-01. Review status: criteria provided, single submitter. Criteria: Invitae Variant Classification Sherloc (09022015). Collection method: clinical testing. Allele origin: germline.
Comment: This sequence change replaces proline, which is neutral and non-polar, with alanine, which is neutral and non-polar, at codon 193 of the ALPL protein (p.Pro193Ala). This variant is present in population databases (no rsID available, gnomAD 0.0009%). This missense change has been observed in individual(s) with hypophosphatasia (PMID: 11547844). This variant is also known as p.Pro176Ala. ClinVar contains an entry for this variant (Variation ID: 2577292). Invitae Evidence Modeling of protein sequence and biophysical properties (such as structural, functional, and spatial information, amino acid conservation, physicochemical variation, residue mobility, and thermodynamic stability) indicates that this missense variant is expected to disrupt ALPL protein function with a positive predictive value of 95%. In summary, the available evidence is currently insufficient to determine the role of this variant in disease. Therefore, it has been classified as a Variant of Uncertain Significance.

Genomenon, Inc
Classification: Uncertain significance for Hypophosphatasia. Last evaluated: 2025-08-29. Review status: criteria provided, single submitter. Criteria: Genomenon Sequence Variant Interpretation Standards. Collection method: curation. Allele origin: germline. Affected: yes.
Comment: ALPL c.577C>G is a missense variant that changes the amino acid at residue 193 from Proline to Alanine. This variant has been observed in a proband affected with hypophosphatasia (PMID:11547844). It is absent or not present at a significant frequency in gnomAD. In silico models agree that this variant is possibly or probably damaging. In conclusion, we classify ALPL p.Pro193Ala (c.577C>G) as a variant of unknown significance.

Women's Health and Genetics/Laboratory Corporation of America, LabCorp
Classification: Uncertain significance. Last evaluated: 2023-07-31. Review status: criteria provided, single submitter. Criteria: LabCorp Variant Classification Summary - May 2015. Collection method: clinical testing. Allele origin: germline.
Comment: Variant summary: ALPL c.577C>G (p.Pro193Ala) results in a non-conservative amino acid change in the encoded protein sequence. Three of five in-silico tools predict a damaging effect of the variant on protein function. The variant allele was found at a frequency of 4e-06 in 251154 control chromosomes. The available data on variant occurrences in the general population are insufficient to allow any conclusion about variant significance. To our knowledge, no occurrence of c.577C>G in individuals affected with Hypophosphatasia, Autosomal Recessive and no experimental evidence demonstrating its impact on protein function have been reported. No submitters have cited clinical-significance assessments for this variant to ClinVar after 2014. Based on the evidence outlined above, the variant was classified as uncertain significance.

Literature cited by the submitters: PubMed 11547844 (cited by Labcorp Genetics (formerly Invitae), Labcorp and Genomenon, Inc).

NM_000478.6(ALPL):c.577C>G (p.Pro193Ala)

Gene: ALPL (alkaline phosphatase, biomineralization associated; plus strand). Cytogenetic location: 1p36.12.
Variant type: single nucleotide variant.
Coding change: c.577C>G on transcript NM_000478.6 (MANE Select); coding-DNA position 577, C replaced by G.
Protein change: p.Pro193Ala; replaces proline 193 with alanine.
Molecular consequence: missense variant.
Genome position (GRCh38, 1-based): chr1:21,564,145, C>G. VCF-style: chr1-21564145-C-G. GRCh37 (hg19) VCF-style: chr1-21890638-C-G.
Other names: c.412C>G, p.Pro138Ala (NM_001127501.4); c.346C>G, p.Pro116Ala (NM_001177520.3); c.577C>G, p.Pro193Ala (NM_001369803.2, NM_001369804.2, NM_001369805.2); short protein forms P116A, P138A, P193A.
Identifiers: ClinVar variation 2577292 (VCV002577292.3), dbSNP rs1436640927, ClinGen allele CA338878129.